The following is an entry in ClinVar:

ClinVar aggregate classification (germline): Uncertain significance (1 of 4 stars; one submission).

Submission:

Labcorp Genetics (formerly Invitae), Labcorp
Classification: Uncertain significance. Last evaluated: 2024-12-24. Review status: criteria provided, single submitter. Criteria: Invitae Variant Classification Sherloc (09022015). Collection method: clinical testing. Allele origin: germline.
Comment: This variant, c.92_94del, results in the deletion of 1 amino acid(s) of the POMP protein (p.Leu31del), but otherwise preserves the integrity of the reading frame. This variant is present in population databases (rs755011777, gnomAD 0.007%). This variant has not been reported in the literature in individuals affected with POMP-related conditions. Experimental studies and prediction algorithms are not available or were not evaluated, and the functional significance of this variant is currently unknown. In summary, the available evidence is currently insufficient to determine the role of this variant in disease. Therefore, it has been classified as a Variant of Uncertain Significance.

NM_015932.6(POMP):c.89TTC[1] (p.Leu31del)

Gene: POMP (proteasome maturation protein; plus strand). Cytogenetic location: 13q12.3.
Variant type: Microsatellite.
Coding change: c.89TTC[1] on transcript NM_015932.6 (MANE Select); one copy of the 3-base unit TTC starting at c.89; the reference has two copies in a row; one copy, 3 bases deleted.
Protein change: p.Leu31del; deletes leucine 31.
Genome position (GRCh38, 1-based): chr13:28,662,498-28,662,500, TTC deleted; deleting any 3 consecutive bases within chr13:28,662,493-28,662,500 gives the same sequence; the position shown is the placement nearest the transcript's 3' end. VCF-style (leftmost placement, unchanged base first): chr13-28662492-ATCT-A. GRCh37 (hg19) VCF-style: chr13-29236629-ATCT-A.
Other names: short protein forms L31del.
Identifiers: ClinVar variation 3709300 (VCV003709300.2).
Genomic context (GRCh38, chr13:28,662,492, plus strand): 5'-AGCTAAAGGACAGTATTCCAGTTACTGAACTTTCAGCAAGTGGACCTTTTGAAAGTCATG[ATCT>A]TCTTCGGAAAGGGTATATGGGGGAGTTATGACTTTGATTTTGTTATGTTTCTGTGAATTT-3'